The following is an entry in ClinVar:

ClinVar aggregate classification (germline): Uncertain significance (1 of 4 stars; one submission).

Conditions:
Biotin-responsive basal ganglia disease (BTBGD). Also called: Thiamine metabolism dysfunction syndrome type 2; Thiamine Transporter-2 Deficiency; Thiamine metabolism dysfunction syndrome 2 (biotin- or thiamine-responsive encephalopathy type 2); thiamine-responsive encephalopathy; THIAMINE METABOLISM DYSFUNCTION SYNDROME 2 (BIOTIN- AND THIAMINE-RESPONSIVE TYPE). Identifiers: Orphanet 199348, Orphanet 65284, MedGen C1843807, MONDO:0011841, OMIM 607483.

Allele frequency attached by ClinVar (database versions not stated): gnomAD 0.00001; gnomAD exomes 0.00001.

Submission:

Labcorp Genetics (formerly Invitae), Labcorp
Classification: Uncertain significance for Biotin-responsive basal ganglia disease. Last evaluated: 2022-05-24. Review status: criteria provided, single submitter. Criteria: Invitae Variant Classification Sherloc (09022015). Collection method: clinical testing. Allele origin: germline.
Comment: This sequence change replaces valine, which is neutral and non-polar, with methionine, which is neutral and non-polar, at codon 257 of the SLC19A3 protein (p.Val257Met). This variant is present in population databases (no rsID available, gnomAD 0.004%). This variant has not been reported in the literature in individuals affected with SLC19A3-related conditions. Advanced modeling of protein sequence and biophysical properties (such as structural, functional, and spatial information, amino acid conservation, physicochemical variation, residue mobility, and thermodynamic stability) performed at Invitae indicates that this missense variant is not expected to disrupt SLC19A3 protein function. In summary, the available evidence is currently insufficient to determine the role of this variant in disease. Therefore, it has been classified as a Variant of Uncertain Significance.

NM_025243.4(SLC19A3):c.769G>A (p.Val257Met)

Gene: SLC19A3 (solute carrier family 19 member 3; minus strand). Cytogenetic location: 2q36.3.
Variant type: single nucleotide variant.
Coding change: c.769G>A on transcript NM_025243.4 (MANE Select); coding-DNA position 769, G replaced by A.
Protein change: p.Val257Met; replaces valine 257 with methionine.
Molecular consequence: missense variant.
Genome position (GRCh38, 1-based): chr2:227,698,946, C>T on the plus strand (G>A on the coding strand, the complement: SLC19A3 is on the minus strand). VCF-style: chr2-227698946-C-T. GRCh37 (hg19) VCF-style: chr2-228563662-C-T.
Other names: c.769G>A, p.Val257Met (NM_001371411.1, NM_001371412.1); c.757G>A, p.Val253Met (NM_001371413.1, NM_001371414.1); short protein forms V257M, V253M.
Identifiers: ClinVar variation 1997376 (VCV001997376.1), dbSNP rs1431943783, ClinGen allele CA350876516.